The following is an entry in ClinVar:

NM_006267.5(RANBP2):c.5428A>G (p.Thr1810Ala)

Gene: RANBP2 (RAN binding protein 2; plus strand). Cytogenetic location: 2q13.
Variant type: single nucleotide variant.
Coding change: c.5428A>G on transcript NM_006267.5 (MANE Select); coding-DNA position 5428, A replaced by G.
Protein change: p.Thr1810Ala; replaces threonine 1810 with alanine.
Molecular consequence: missense variant.
Genome position (GRCh38, 1-based): chr2:108,765,967, A>G. VCF-style: chr2-108765967-A-G. GRCh37 (hg19) VCF-style: chr2-109382423-A-G.
Other names: short protein forms T1810A.
Identifiers: ClinVar variation 1053722 (VCV001053722.8), dbSNP rs143681482, ClinGen allele CA1823279.

ClinVar aggregate classification (germline): Uncertain significance (1 of 4 stars; one submission).

Conditions:
Familial acute necrotizing encephalopathy (IIAE3). Also called: ENCEPHALOPATHY, ACUTE, INFECTION-INDUCED, SUSCEPTIBILITY TO, 3; Susceptibility to Acute Necrotizing Encephalopathy 1. Identifiers: Orphanet 88619, MedGen C2675556, MONDO:0011953, OMIM 608033.

Allele frequency attached by ClinVar (database versions not stated): gnomAD exomes 0.00001 and 0.00005; ExAC 0.00008; ESP Exome Variant Server 0.00015; gnomAD 0.00017 and 0.00019; TOPMed 0.00028.
gnomAD v4.1: 49 of 1,614,008 alleles (0.003%); highest among the groups gnomAD compares: African/African-American, 0.048%; no homozygotes.

Submission:

Labcorp Genetics (formerly Invitae), Labcorp
Classification: Uncertain significance for Familial acute necrotizing encephalopathy. Last evaluated: 2020-07-21. Review status: criteria provided, single submitter. Criteria: Invitae Variant Classification Sherloc (09022015). Collection method: clinical testing. Allele origin: germline.
Comment: This sequence change replaces threonine with alanine at codon 1810 of the RANBP2 protein (p.Thr1810Ala). The threonine residue is highly conserved and there is a small physicochemical difference between threonine and alanine. This variant is present in population databases (rs143681482, ExAC 0.08%), and has an allele count higher than expected for a pathogenic variant (PMID: 28166811). This variant has not been reported in the literature in individuals with RANBP2-related conditions. Algorithms developed to predict the effect of missense changes on protein structure and function output the following: SIFT: "Tolerated"; PolyPhen-2: "Benign"; Align-GVGD: "Class C0". The alanine amino acid residue is found in multiple mammalian species, suggesting that this missense change does not adversely affect protein function. These predictions have not been confirmed by published functional studies and their clinical significance is uncertain. Algorithms developed to predict the effect of sequence changes on RNA splicing suggest that this variant may create or strengthen a splice site, but this prediction has not been confirmed by published transcriptional studies. In summary, the available evidence is currently insufficient to determine the role of this variant in disease. Therefore, it has been classified as a Variant of Uncertain Significance.

Literature cited by the submitters: PubMed 28166811.